The following is an entry in ClinVar:

ClinVar aggregate classification (germline): Uncertain significance (1 of 4 stars; one submission).

gnomAD v4.1: 1 of 1,614,124 alleles (0.000062%); no homozygotes.

Submission:

GeneDx
Classification: Uncertain significance. Last evaluated: 2025-06-20. Review status: criteria provided, single submitter. Criteria: GeneDx Variant Classification Process June 2021. Collection method: clinical testing. Allele origin: germline. Affected: yes.
Comment: Not observed at significant frequency in large population cohorts (gnomAD); In silico analysis supports that this missense variant has a deleterious effect on protein structure/function; Has not been previously published as pathogenic or benign to our knowledge

NM_006662.3(SRCAP):c.2404G>A (p.Glu802Lys)

Gene: SRCAP (Snf2 related CREBBP activator protein; plus strand). Cytogenetic location: 16p11.2.
Variant type: single nucleotide variant.
Coding change: c.2404G>A on transcript NM_006662.3 (MANE Select); coding-DNA position 2404, G replaced by A.
Protein change: p.Glu802Lys; replaces glutamic acid 802 with lysine.
Molecular consequence: missense variant.
Genome position (GRCh38, 1-based): chr16:30,713,622, G>A. VCF-style: chr16-30713622-G-A. GRCh37 (hg19) VCF-style: chr16-30724943-G-A.
Other names: short protein forms E802K.
Identifiers: ClinVar variation 4538977 (VCV004538977.1).